The following is an entry in ClinVar:

ClinVar aggregate classification (germline): Conflicting classifications of pathogenicity. Review status: criteria provided, conflicting classifications (1 of 4 stars). 5 submissions from 5 submitters: Uncertain significance (3); Likely benign (2). Last evaluated 2024-07-30.

Conditions:
Hereditary breast ovarian cancer syndrome. Also called: BRCA1- and BRCA2-Associated Hereditary Breast and Ovarian Cancer; Hereditary breast and ovarian cancer syndrome; Hereditary breast and/or ovarian cancer syndrome; Hereditary breast and ovarian cancer; Hereditary breast and ovarian cancer syndrome (HBOC); Breast and ovarian cancer. Identifiers: Orphanet 145, MedGen C0677776, MeSH D061325, MONDO:0003582. Disease mechanism: loss of function.
Hereditary cancer-predisposing syndrome. Also called: Tumor predisposition; Neoplastic Syndromes, Hereditary; Hereditary Cancer Syndrome; Hereditary neoplastic syndrome. Identifiers: Orphanet 140162, MedGen C0027672, MeSH D009386, MONDO:0015356.

Submissions (5):

Labcorp Genetics (formerly Invitae), Labcorp
Classification: Uncertain significance for Hereditary breast ovarian cancer syndrome. Last evaluated: 2024-07-30. Review status: criteria provided, single submitter. Criteria: Invitae Variant Classification Sherloc (09022015). Collection method: clinical testing. Allele origin: germline.
Comment: This sequence change replaces asparagine, which is neutral and polar, with serine, which is neutral and polar, at codon 825 of the BRCA2 protein (p.Asn825Ser). This variant is not present in population databases (gnomAD no frequency). This variant has not been reported in the literature in individuals affected with BRCA2-related conditions. ClinVar contains an entry for this variant (Variation ID: 801097). Advanced modeling of protein sequence and biophysical properties (such as structural, functional, and spatial information, amino acid conservation, physicochemical variation, residue mobility, and thermodynamic stability) performed at Invitae indicates that this missense variant is not expected to disrupt BRCA2 protein function with a negative predictive value of 95%. In summary, the available evidence is currently insufficient to determine the role of this variant in disease. Therefore, it has been classified as a Variant of Uncertain Significance.

Women's Health and Genetics/Laboratory Corporation of America, LabCorp
Classification: Uncertain significance. Last evaluated: 2023-06-03. Review status: criteria provided, single submitter. Criteria: LabCorp Variant Classification Summary - May 2015. Collection method: clinical testing. Allele origin: germline.

Ambry Genetics
Classification: Likely benign for Hereditary cancer-predisposing syndrome. Last evaluated: 2023-05-21. Review status: criteria provided, single submitter. Criteria: Ambry Variant Classification Scheme 2023. Collection method: clinical testing. Allele origin: germline.

University of Washington Department of Laboratory Medicine, University of Washington
Classification: Likely benign for Hereditary cancer-predisposing syndrome. Last evaluated: 2023-03-23. Review status: criteria provided, single submitter. Criteria: Dines et al. (Genet Med. 2020). Collection method: curation. Allele origin: germline.
Comment: Missense variant in a coldspot region where missense variants are very unlikely to be pathogenic (PMID:31911673).

BRCA2 exon 11 coldspot. Reclassification based on statistical prior probability.

Quest Diagnostics Nichols Institute San Juan Capistrano
Classification: Uncertain significance. Last evaluated: 2018-10-05. Review status: criteria provided, single submitter. Criteria: Quest Diagnostics criteria. Collection method: clinical testing. Allele origin: germline.

NM_000059.4(BRCA2):c.2474A>G (p.Asn825Ser)

Gene: BRCA2 (BRCA2 DNA repair associated; plus strand). Cytogenetic location: 13q13.1.
Variant type: single nucleotide variant.
Coding change: c.2474A>G on transcript NM_000059.4 (MANE Select); coding-DNA position 2474, A replaced by G.
Protein change: p.Asn825Ser; replaces asparagine 825 with serine.
Molecular consequence: missense variant.
Genome position (GRCh38, 1-based): chr13:32,336,829, A>G. VCF-style: chr13-32336829-A-G. GRCh37 (hg19) VCF-style: chr13-32910966-A-G.
Other names: short protein forms N825S.
Identifiers: ClinVar variation 801097 (VCV000801097.15), dbSNP rs1593897016, ClinGen allele CA387772368.